The following is an entry in ClinVar:

NM_005429.5(VEGFC):c.362-2A>T

Gene: VEGFC (vascular endothelial growth factor C; minus strand). Cytogenetic location: 4q34.3.
Variant type: single nucleotide variant.
Coding change: c.362-2A>T on transcript NM_005429.5 (MANE Select); the canonical splice acceptor site of the intron before coding-DNA position 362, A replaced by T.
Molecular consequence: splice acceptor variant.
Genome position (GRCh38, 1-based): chr4:176,727,970, T>A on the plus strand (A>T on the coding strand, the complement: VEGFC is on the minus strand). VCF-style: chr4-176727970-T-A. GRCh37 (hg19) VCF-style: chr4-177649124-T-A.
Other names: NC_000004.11:g.177649124T>A.
Identifiers: ClinVar variation 392820 (VCV000392820.3), dbSNP rs1057524647, ClinGen allele CA16604614.

ClinVar aggregate classification (germline): Pathogenic (1 of 4 stars; one submission).

Submissions (2):

GeneDx
Classification: Pathogenic. Last evaluated: 2017-01-24. Review status: criteria provided, single submitter. Criteria: GeneDx Variant Classification (06012015). Collection method: clinical testing. Allele origin: germline. Affected: yes.
Comment: The c.362-2A>T variant in the VEGFC gene has not been reported previously as a pathogenic variant nor as a benign variant, to our knowledge. This splice site variant destroys the canonical splice acceptor site of intron 2. It is predicted to cause abnormal gene splicing, either leading to an abnormal message that is subject to nonsense-mediated mRNA decay, or to an abnormal protein product if the message is used for protein translation. The c.362-2A>T variant was not observed in approximately 6000 individuals of European and African American ancestry in the NHLBI Exome Sequencing Project, indicating it is not a common benign variant in these populations. We interpret c.362-2A>T as a pathogenic variant.

Dr. Peter K. Rogan Lab, Western University
No classification provided (evidence only). Condition: Squamous cell carcinoma of the head and neck. Review status: no classification provided. Collection method: in vitro. Allele origin: not applicable. Functional consequence: skipped exon. Not counted in ClinVar's aggregate classification.